The following is an entry in ClinVar:

ClinVar aggregate classification (germline): Uncertain significance (1 of 4 stars; one submission).

Conditions:
Inborn genetic diseases. Identifiers: MedGen C0950123, MeSH D030342.

Submission:

Ambry Genetics
Classification: Uncertain significance for Inborn genetic diseases. Last evaluated: 2024-11-21. Review status: criteria provided, single submitter. Criteria: Ambry Variant Classification Scheme 2023. Collection method: clinical testing. Allele origin: germline.
Comment: The p.T1073A variant (also known as c.3217A>G), located in coding exon 18 of the RECQL4 gene, results from an A to G substitution at nucleotide position 3217. The threonine at codon 1073 is replaced by alanine, an amino acid with similar properties. This amino acid position is conserved. Based on the available evidence, the clinical significance of this variant remains unclear.

NM_004260.4(RECQL4):c.3217A>G (p.Thr1073Ala)

Gene: RECQL4 (RecQ like helicase 4; minus strand). Cytogenetic location: 8q24.3.
Variant type: single nucleotide variant.
Coding change: c.3217A>G on transcript NM_004260.4 (MANE Select); coding-DNA position 3217, A replaced by G.
Protein change: p.Thr1073Ala; replaces threonine 1073 with alanine.
Molecular consequence: missense variant. On other transcripts: non-coding transcript variant (3).
Genome position (GRCh38, 1-based): chr8:144,512,163, T>C on the plus strand (A>G on the coding strand, the complement: RECQL4 is on the minus strand). VCF-style: chr8-144512163-T-C. GRCh37 (hg19) VCF-style: chr8-145737546-T-C.
Other names: c.2923A>G, p.Thr975Ala (NM_001413017.1); c.3019A>G, p.Thr1007Ala (NM_001413018.1); c.3292A>G, p.Thr1098Ala (NM_001413019.1); c.3121A>G, p.Thr1041Ala (NM_001413020.1); c.2146A>G, p.Thr716Ala (NM_001413021.1, NM_001413022.1, NM_001413024.1 and 4 more transcripts); c.2221A>G, p.Thr741Ala (NM_001413023.1); c.3088A>G, p.Thr1030Ala (NM_001413025.1); c.2080A>G, p.Thr694Ala (NM_001413027.1, NM_001413030.1, NM_001413032.1); and 9 more; short protein forms T1073A, T1098A, T1029A, T1030A, T706A, T716A, T719A, T741A.
Identifiers: ClinVar variation 3431857 (VCV003431857.1).